The following is an entry in ClinVar:

NM_000444.6(PHEX):c.202del (p.Ser68fs)

Gene: PHEX (phosphate regulating endopeptidase X-linked; plus strand). Cytogenetic location: Xp22.11.
Variant type: Deletion.
Coding change: c.202del on transcript NM_000444.6 (MANE Select); coding-DNA position 202, one base deleted (A; older notation c.202delA).
Protein change: p.Ser68fs; shifts the reading frame from serine 68.
Molecular consequence: frameshift variant.
Genome position (GRCh38, 1-based): chrX:22,047,064, A deleted; the last of 2 consecutive A bases (chrX:22,047,063-22,047,064); deleting either gives the same sequence. VCF-style (leftmost placement, unchanged base first): chrX-22047062-TA-T. GRCh37 (hg19) VCF-style: chrX-22065180-TA-T.
Other names: c.202del, p.Ser68fs (NM_001282754.2); short protein forms S68fs.
Identifiers: ClinVar variation 3066367 (VCV003066367.1), dbSNP rs1927568383, ClinGen allele CA2740097961.
Genomic context (GRCh38, chrX:22,047,062, plus strand): 5'-ACAACATTCAGTGCTTGTCATTAATCCTATGATTTTCTTTCTAAATAGCTGCTGCCATCT[TA>T]AGTAAAGTAAATCTGTCTGTGGATCCTTGTGATAATTTCTTCCGGTTCGCTTGTGATGGC-3'

ClinVar aggregate classification (germline): Pathogenic (1 of 4 stars; one submission).

Conditions:
Familial X-linked hypophosphatemic vitamin D refractory rickets (XLHRD). Also called: Hypophosphatemia, vitamin D-resistant rickets; Vitamin D-resistant rickets, X-linked; X-Linked Hypophosphatemia; Hypophosphatemic Rickets, X-Linked Dominant; HYPOPHOSPHATEMIC VITAMIN D-RESISTANT RICKETS. Identifiers: Orphanet 89936, MedGen C0733682, MONDO:0010619, OMIM 307800.

Submission:

MVZ Medizinische Genetik Mainz
Classification: Pathogenic for Familial X-linked hypophosphatemic vitamin D refractory rickets. Last evaluated: 2022-01-13. Review status: criteria provided, single submitter. Criteria: UK Practice Guidelines For Variant Classification V4 01 2020. Collection method: clinical testing. Allele origin: germline. Inheritance: X-linked dominant inheritance. Affected: yes. Observed: 1 variant allele.
Comment: ACMG Criteria: PVS1, PM2_SUP, PP4 (ACMG Version 3)